The following is an entry in ClinVar:

ClinVar aggregate classification (germline): Likely pathogenic (1 of 4 stars; one submission).

Submission:

GeneDx
Classification: Likely pathogenic. Last evaluated: 2017-05-15. Review status: criteria provided, single submitter. Criteria: GeneDx Variant Classification (06012015). Collection method: clinical testing. Allele origin: germline. Affected: yes.
Comment: The c.356_357insGG variant in the VHL gene has not been published as a pathogenic variant, nor has it been reported as a benign variant to our knowledge. This insertion causes a frameshift starting with codon Phenylalanine 119, changes this amino acid to a Leucine residue and creates a premature Stop codon at position 41 of the new reading frame, denoted p.Phe119LeufsX41. This variant is predicted to cause loss of normal protein function either through protein truncation or nonsense-mediated mRNA decay. Based on currently available evidence, c.356_357insGG is a strong candidate for a pathogenic variant. However, the possibility it is a rare benign variant cannot be excluded.

NM_000551.4(VHL):c.356_357insGG (p.Phe119fs)

Genes: VHL (von Hippel-Lindau tumor suppressor; plus strand), LOC107303340 (3p25 von Hippel-Lindau tumor suppressor, E3 ubiquitin protein ligase Alu-mediated recombination region; plus strand). Cytogenetic location: 3p25.3.
Variant type: Insertion.
Coding change: c.356_357insGG on transcript NM_000551.4 (MANE Select); coding-DNA positions 356 to 357, GG inserted.
Protein change: p.Phe119fs; shifts the reading frame from phenylalanine 119.
Molecular consequence: frameshift variant. On other transcripts: intron variant (2).
Genome position: GRCh38 VCF-style: chr3-10146529-T-TGG. GRCh37 (hg19) VCF-style: chr3-10188213-T-TGG.
Other names: c.*18-3258_*18-3257insGG (NM_001354723.2); c.341-3258_341-3257insGG (NM_198156.3); short protein forms F119fs.
Identifiers: ClinVar variation 429679 (VCV000429679.2), dbSNP rs1131691526, ClinGen allele CA645369328.
Genomic context (GRCh38, chr3:10,146,529, plus strand): 5'-CAGCCACCGGTGTGGCTCTTTAACAACCTTTGCTTGTCCCGATAGGTCACCTTTGGCTCT[T>TGG]CAGAGATGCAGGGACACACGATGGGCTTCTGGTTAACCAAACTGAATTATTTGTGCCATC-3'